The following is an entry in ClinVar:

ClinVar aggregate classification (germline): Pathogenic. Review status: criteria provided, multiple submitters, no conflicts (2 of 4 stars). 7 submissions from 7 submitters: Pathogenic (6). 1 of the submissions does not count toward it. Last evaluated 2025-08-19.

Conditions:
MMACHC-related disorder. Also called: MMACHC-related condition.
Cobalamin C disease. Also called: Cobalamin-C methylmalonic acidemia and homocystinuria; Methylmalonic acidemia and homocystinuria cblC type; Methylmalonic aciduria with homocystinuria cblC type; Methylmalonic aciduria and homocystinuria, Vitamin B12-responsive; Vitamin B12 metabolic defect with combined deficiency of methylmalonyl-CoA mutase and homocysteine:methyltetrahydrofolate methyltransferase; methylmalonic aciduria and homocystinuria type cblC. Identifiers: Orphanet 26, Orphanet 79282, MedGen C1848561, MONDO:0010184, OMIM 277400.

Allele frequency attached by ClinVar (database versions not stated): TOPMed below 0.00001; gnomAD 0.00001; gnomAD exomes 0.00001; ExAC 0.00002.

Submissions (7):

Natera, Inc.
Classification: Pathogenic for Methylmalonic aciduria and homocystinuria cblC type. Last evaluated: 2025-08-19. Review status: criteria provided, single submitter. Criteria: Natera Variant Classification Schema (03/2026). Collection method: clinical testing. Allele origin: germline.
Comment: The c.3G>A variant in MMACHC is predicted to result in start loss due to disruption of the initiator methionine. This variant is expected to result in nonsense mediated decay, truncation, or a dysfunctional protein product. This variant is rare in the general population with a frequency below the threshold expected for the associated phenotype(s). This variant has been observed in one or more individuals affected with the associated recessive disease, as either homozygous or compound heterozygous with a second variant (PMID: 18164228, 16311595). Given the available evidence, this variant is classified as Pathogenic.

Fulgent Genetics
Classification: Pathogenic for Cobalamin C disease. Last evaluated: 2024-05-06. Review status: criteria provided, single submitter. Criteria: ACMG Guidelines, 2015. Collection method: clinical testing. Allele origin: germline.

Labcorp Genetics (formerly Invitae), Labcorp
Classification: Pathogenic for Cobalamin C disease. Last evaluated: 2023-09-24. Review status: criteria provided, single submitter. Criteria: Invitae Variant Classification Sherloc (09022015). Collection method: clinical testing. Allele origin: germline.
Comment: For these reasons, this variant has been classified as Pathogenic. ClinVar contains an entry for this variant (Variation ID: 203823). Disruption of the initiator codon has been observed in individuals with combined methylmalonic aciduria and homocystinuria (PMID: 16311595, 18164228, 19760748). This variant is present in population databases (rs779893448, gnomAD 0.003%). This sequence change affects the initiator methionine of the MMACHC mRNA. The next in-frame methionine is located at codon 58.

Genome-Nilou Lab
Classification: Pathogenic for Cobalamin C disease. Last evaluated: 2023-04-11. Review status: criteria provided, single submitter. Criteria: ACMG Guidelines, 2015. Collection method: clinical testing. Allele origin: germline. Affected: no.

Blueprint Genetics
Classification: Pathogenic for MMACHC-related disorders. Last evaluated: 2019-03-29. Review status: criteria provided, single submitter. Criteria: ACMG Guidelines, 2015. Collection method: clinical testing. Allele origin: germline. Affected: yes. Observed: 2 variant alleles.

Women's Health and Genetics/Laboratory Corporation of America, LabCorp
Classification: Pathogenic for Methylmalonic acidemia with homocystinuria. Last evaluated: 2018-10-29. Review status: criteria provided, single submitter. Criteria: LabCorp Variant Classification Summary - May 2015. Collection method: clinical testing. Allele origin: germline.
Comment: Variant summary: MMACHC c.3G>A (p.Met1Ile) alters the initiation codon and is predicted to result either in absence of the protein or truncation of the encoded protein due to translation initiation at a downstream codon. Three of four in-silico tools predict a damaging effect of the variant on protein function. The variant allele was found at a frequency of 8.1e-06 in 246258 control chromosomes (gnomAD). c.3G>A has been reported in the literature in multiple individuals affected with Cobalamin C Disease (Methylmalonic Aciduria with Homocystinuria)(Lerner-Ellis_2006, Nogueira_2008). These data indicate that the variant is very likely to be associated with disease. To our knowledge, no experimental evidence demonstrating an impact on protein function has been reported. A ClinVar submission from a clinical diagnostic laboratory (evaluation after 2014) cites the variant as pathogenic. Based on the evidence outlined above, the variant was classified as pathogenic.

Counsyl
Classification: Pathogenic for Cobalamin C disease. Last evaluated: 2016-12-15. Review status: no assertion criteria provided. Collection method: clinical testing. Allele origin: unknown. Not counted in ClinVar's aggregate classification.

Literature cited by the submitters: PubMed 18164228 (cited by 3 submitters); PubMed 16311595 (cited by 4 submitters); PubMed 19760748 (cited by Labcorp Genetics (formerly Invitae), Labcorp).

NM_015506.3(MMACHC):c.3G>A (p.Met1Ile)

Gene: MMACHC (metabolism of cobalamin associated C; plus strand). Cytogenetic location: 1p34.1.
Variant type: single nucleotide variant.
Coding change: c.3G>A on transcript NM_015506.3 (MANE Select); coding-DNA position 3, G replaced by A.
Protein change: p.Met1Ile; changes the start codon (methionine 1).
Molecular consequence: missense variant, initiator codon variant. On other transcripts: 5 prime UTR variant (1).
Genome position (GRCh38, 1-based): chr1:45,500,335, G>A. VCF-style: chr1-45500335-G-A. GRCh37 (hg19) VCF-style: chr1-45966007-G-A.
Other names: c.-220G>A (NM_001330540.2); short protein forms M1I.
Identifiers: ClinVar variation 203823 (VCV000203823.19), dbSNP rs779893448, ClinGen allele CA312724.